The following is an entry in ClinVar:

NC_000006.12:g.46080001T>G

Gene: CLIC5 (CLIC family member 5; minus strand). Cytogenetic location: 6p21.1.
Variant type: single nucleotide variant.
Molecular consequence: missense variant (on NM_001114086.2). On other transcripts: intron variant (1).
Genome position: GRCh38 VCF-style: chr6-46080001-T-G. GRCh37 (hg19) VCF-style: chr6-46047738-T-G.
Other names: c.242A>C, p.Tyr81Ser (NM_001114086.2, NM_001370650.1); c.-55+49503A>C (NM_001370649.1); short protein forms Y81S.
Identifiers: ClinVar variation 1481017 (VCV001481017.9), dbSNP rs942073882, ClinGen allele CA138549331.

ClinVar aggregate classification (germline): Uncertain significance. Review status: criteria provided, multiple submitters, no conflicts (2 of 4 stars). 2 submissions from 2 submitters: Uncertain significance (2). Last evaluated 2023-07-17.

Allele frequency attached by ClinVar (database versions not stated): gnomAD 0.00003; TOPMed 0.00009; gnomAD exomes 0.00020.
gnomAD v4.1: 40 of 1,551,482 alleles (0.0026%); highest among the groups gnomAD compares: Admixed American, 0.077%; no homozygotes.

Submissions (2):

Labcorp Genetics (formerly Invitae), Labcorp
Classification: Uncertain significance. Last evaluated: 2023-07-17. Review status: criteria provided, single submitter. Criteria: Invitae Variant Classification Sherloc (09022015). Collection method: clinical testing. Allele origin: germline.
Comment: In summary, the available evidence is currently insufficient to determine the role of this variant in disease. Therefore, it has been classified as a Variant of Uncertain Significance. An algorithm developed to predict the effect of missense changes on protein structure and function (PolyPhen-2) suggests that this variant is likely to be tolerated. ClinVar contains an entry for this variant (Variation ID: 1481017). This variant has not been reported in the literature in individuals affected with CLIC5-related conditions. This variant is present in population databases (no rsID available, gnomAD 0.1%), and has an allele count higher than expected for a pathogenic variant. This sequence change replaces tyrosine, which is neutral and polar, with serine, which is neutral and polar, at codon 81 of the CLIC5 protein (p.Tyr81Ser).

Blueprint Genetics
Classification: Uncertain significance. Last evaluated: 2022-07-27. Review status: criteria provided, single submitter. Criteria: ACMG Guidelines, 2015. Collection method: clinical testing. Allele origin: germline.